The following is an entry in ClinVar:

NM_001114753.3(ENG):c.281_282del (p.Glu94fs)

Gene: ENG (endoglin; minus strand). Cytogenetic location: 9q34.11.
Variant type: Microsatellite.
Coding change: c.281_282del on transcript NM_001114753.3 (MANE Select); coding-DNA positions 281 to 282, 2 bases deleted (AG; older notation c.281_282delAG).
Protein change: p.Glu94fs; shifts the reading frame from glutamic acid 94.
Molecular consequence: frameshift variant. On other transcripts: 5 prime UTR variant (1).
Genome position (GRCh38, 1-based): chr9:127,829,765-127,829,766, CT deleted on the plus strand (AG on the coding strand, the reverse complement: ENG is on the minus strand); deleting any 2 consecutive bases within chr9:127,829,765-127,829,769 gives the same sequence; the c. name uses the placement nearest the transcript's 3' end. VCF-style (leftmost placement, unchanged base first): chr9-127829764-CCT-C. GRCh37 (hg19) VCF-style: chr9-130592043-CCT-C.
Other names: c.281_282del, p.Glu94fs (NM_000118.4, NM_001406715.1); c.-268AG[1] (NM_001278138.2); short protein forms E94fs.
Identifiers: ClinVar variation 4725719 (VCV004725719.1).
Genomic context (GRCh38, chr9:127,829,764, plus strand): 5'-GGATTCCCAGGGCCTGGAGATGCAGGAAGACACTGCTGTTTACACTGAGGACCAGAAGCA[CCT>C]CTCGGGGCCAGGTGCCATTTTGCTTGGATGCCTGGAGAGTCAGCTCCAGCTGTGACGGGC-3'

ClinVar aggregate classification (germline): Pathogenic (1 of 4 stars; one submission).

Conditions:
Hereditary hemorrhagic telangiectasia (HHT). Also called: ORW DISEASE; Osler Weber Rendu syndrome; OSLER-RENDU-WEBER DISEASE; Osler hemorrhagic telangiectasia syndrome. Identifiers: Orphanet 774, MedGen C0039445, MONDO:0019180. Disease mechanism: loss of function.

Submission:

Labcorp Genetics (formerly Invitae), Labcorp
Classification: Pathogenic for Hereditary hemorrhagic telangiectasia. Last evaluated: 2025-08-20. Review status: criteria provided, single submitter. Criteria: Invitae Variant Classification Sherloc (09022015). Collection method: clinical testing. Allele origin: germline.
Comment: This sequence change creates a premature translational stop signal (p.Glu94Glyfs*54) in the ENG gene. It is expected to result in an absent or disrupted protein product. Loss-of-function variants in ENG are known to be pathogenic (PMID: 15879500). This variant is not present in population databases (gnomAD no frequency). This variant has not been reported in the literature in individuals affected with ENG-related conditions. For these reasons, this variant has been classified as Pathogenic.

Literature cited by the submitters: PubMed 15879500.